The following is an entry in ClinVar:

ClinVar aggregate classification (germline): Uncertain significance (1 of 4 stars; one submission).

Conditions:
Cardiovascular phenotype. Identifiers: MedGen CN230736.

Submission:

Ambry Genetics
Classification: Uncertain significance for Cardiovascular phenotype. Last evaluated: 2024-08-28. Review status: criteria provided, single submitter. Criteria: Ambry Variant Classification Scheme 2023. Collection method: clinical testing. Allele origin: germline.
Comment: The p.V415A variant (also known as c.1244T>C), located in coding exon 3 of the HCN4 gene, results from a T to C substitution at nucleotide position 1244. The valine at codon 415 is replaced by alanine, an amino acid with similar properties. This amino acid position is conserved. In addition, the in silico prediction for this alteration is inconclusive. Based on the available evidence, the clinical significance of this variant remains unclear.

NM_005477.3(HCN4):c.1244T>C (p.Val415Ala)

Gene: HCN4 (hyperpolarization activated cyclic nucleotide gated potassium channel 4; minus strand). Cytogenetic location: 15q24.1.
Variant type: single nucleotide variant.
Coding change: c.1244T>C on transcript NM_005477.3 (MANE Select); coding-DNA position 1244, T replaced by C.
Protein change: p.Val415Ala; replaces valine 415 with alanine.
Molecular consequence: missense variant.
Genome position (GRCh38, 1-based): chr15:73,332,258, A>G on the plus strand (T>C on the coding strand, the complement: HCN4 is on the minus strand). VCF-style: chr15-73332258-A-G. GRCh37 (hg19) VCF-style: chr15-73624599-A-G.
Other names: short protein forms V415A.
Identifiers: ClinVar variation 3524260 (VCV003524260.1).